The following is an entry in ClinVar:

ClinVar aggregate classification (germline): Benign (0 of 4 stars; one submission).

Conditions:
TNS1-related disorder. Also called: TNS1-related condition.

Allele frequency attached by ClinVar (database versions not stated): 1000 Genomes Project 30x 0.01249; 1000 Genomes Project 0.01258; ESP Exome Variant Server 0.01607; gnomAD 0.01836; gnomAD exomes 0.02314; ExAC 0.02325.
gnomAD v4.1: 36,358 of 1,612,442 alleles (2.3%); highest among the groups gnomAD compares: South Asian, 4.3%; 563 homozygotes.

Submission:

PreventionGenetics, part of Exact Sciences
Classification: Benign for TNS1-related condition. Last evaluated: 2019-02-21. Review status: no assertion criteria provided. Collection method: clinical testing. Allele origin: germline.
Comment: This variant is classified as benign based on ACMG/AMP sequence variant interpretation guidelines (Richards et al. 2015 PMID: 25741868, with internal and published modifications).

NM_001387777.1(TNS1):c.679A>C (p.Asn227His)

Gene: TNS1 (tensin 1; minus strand). Cytogenetic location: 2q35.
Variant type: single nucleotide variant.
Coding change: c.679A>C on transcript NM_001387777.1 (MANE Select); coding-DNA position 679, A replaced by C.
Protein change: p.Asn227His; replaces asparagine 227 with histidine.
Molecular consequence: missense variant.
Genome position (GRCh38, 1-based): chr2:217,893,477, T>G on the plus strand (A>C on the coding strand, the complement: TNS1 is on the minus strand). VCF-style: chr2-217893477-T-G. GRCh37 (hg19) VCF-style: chr2-218758200-T-G.
Other names: c.304A>C, p.Asn102His (NM_001308022.2, NM_001308023.2, NM_022648.7); short protein forms N102H, N227H.
Identifiers: ClinVar variation 3055634 (VCV003055634.2), dbSNP rs61745748, ClinGen allele CA2100844.
Genomic context (GRCh38, chr2:217,893,477, plus strand): 5'-CACACACACACACAGCTCTGACCTTGTTGTGTAGAACAACGACATTGTGAGGGTCTGCAT[T>G]GAGCCATGTGTCCATGGCCTTACAGATGCTGCAGATCTTCTCCAGGGCTGGGGTGTGGAG-3'
Protein context (NP_001374706.1, residues 217-237): SICKAMDTWL[Asn227His]ADPHNVVVLH